The following is an entry in ClinVar:

NM_000246.4(CIITA):c.2113G>A (p.Glu705Lys)

Gene: CIITA (class II major histocompatibility complex transactivator; plus strand). Cytogenetic location: 16p13.13.
Variant type: single nucleotide variant.
Coding change: c.2113G>A on transcript NM_000246.4 (MANE Select); coding-DNA position 2113, G replaced by A.
Protein change: p.Glu705Lys; replaces glutamic acid 705 with lysine.
Molecular consequence: missense variant. On other transcripts: intron variant (1).
Genome position (GRCh38, 1-based): chr16:10,907,605, G>A. VCF-style: chr16-10907605-G-A. GRCh37 (hg19) VCF-style: chr16-11001462-G-A.
Other names: c.2116G>A, p.Glu706Lys (NM_001286402.1, NM_001379332.1); c.1969G>A, p.Glu657Lys (NM_001379330.1); c.1966G>A, p.Glu656Lys (NM_001379331.1); c.2113G>A, p.Glu705Lys (NM_001379333.1); c.2044G>A, p.Glu682Lys (NM_001379334.1); c.860-1378G>A (NM_001286403.2); short protein forms E656K, E657K, E705K, E682K, E706K.
Identifiers: ClinVar variation 958250 (VCV000958250.9), dbSNP rs143304499, ClinGen allele CA7900301.

ClinVar aggregate classification (germline): Uncertain significance. Review status: criteria provided, multiple submitters, no conflicts (2 of 4 stars). 3 submissions from 3 submitters: Uncertain significance (2). 1 of the submissions does not count toward it. Last evaluated 2025-12-06.

Conditions:
MHC class II deficiency. Also called: Bare lymphocyte syndrome 2; BLS, TYPE II. Identifiers: Orphanet 572, MedGen C5447452, MONDO:0008855.
Rheumatoid arthritis (RA). Also called: RHEUMATOID ARTHRITIS, SUSCEPTIBILITY TO. Identifiers: MedGen C0003873, MONDO:0008383, OMIM 180300, HP:0001370.

Allele frequency attached by ClinVar (database versions not stated): TOPMed 0.00002.
gnomAD v4.1: 74 of 1,614,116 alleles (0.0046%); highest among the groups gnomAD compares: East Asian, 0.018%; no homozygotes.

Submissions (3):

Labcorp Genetics (formerly Invitae), Labcorp
Classification: Uncertain significance for MHC class II deficiency. Last evaluated: 2025-12-06. Review status: criteria provided, single submitter. Criteria: Invitae Variant Classification Sherloc (09022015). Collection method: clinical testing. Allele origin: germline.
Comment: This sequence change replaces glutamic acid, which is acidic and polar, with lysine, which is basic and polar, at codon 705 of the CIITA protein (p.Glu705Lys). This variant is present in population databases (rs143304499, gnomAD 0.009%). This variant has not been reported in the literature in individuals affected with CIITA-related conditions. ClinVar contains an entry for this variant (Variation ID: 958250). An algorithm developed to predict the effect of missense changes on protein structure and function outputs the following: PolyPhen-2: "Benign". The lysine amino acid residue is found in multiple mammalian species, which suggests that this missense change does not adversely affect protein function. In summary, the available evidence is currently insufficient to determine the role of this variant in disease. Therefore, it has been classified as a Variant of Uncertain Significance.

Fulgent Genetics
Classification: Uncertain significance for Rheumatoid arthritis; MHC class II deficiency 1. Last evaluated: 2021-08-26. Review status: criteria provided, single submitter. Criteria: ACMG Guidelines, 2015. Collection method: clinical testing. Allele origin: unknown.

Natera, Inc.
Classification: Uncertain significance for Bare lymphocyte syndrome type II. Last evaluated: 2020-06-16. Review status: no assertion criteria provided. Collection method: clinical testing. Allele origin: germline. Not counted in ClinVar's aggregate classification.